The following is an entry in ClinVar:

NM_003664.5(AP3B1):c.1937C>T (p.Pro646Leu)

Gene: AP3B1 (adaptor related protein complex 3 subunit beta 1; minus strand). Cytogenetic location: 5q14.1.
Variant type: single nucleotide variant.
Coding change: c.1937C>T on transcript NM_003664.5 (MANE Select); coding-DNA position 1937, C replaced by T.
Protein change: p.Pro646Leu; replaces proline 646 with leucine.
Molecular consequence: missense variant.
Genome position (GRCh38, 1-based): chr5:78,128,061, G>A on the plus strand (C>T on the coding strand, the complement: AP3B1 is on the minus strand). VCF-style: chr5-78128061-G-A. GRCh37 (hg19) VCF-style: chr5-77423885-G-A.
Other names: c.1790C>T, p.Pro597Leu (NM_001271769.2); c.1937C>T, p.Pro646Leu (NM_001410752.1); short protein forms P597L, P646L.
Identifiers: ClinVar variation 2007470 (VCV002007470.4), dbSNP rs2530998106, ClinGen allele CA360187012.

ClinVar aggregate classification (germline): Uncertain significance (1 of 4 stars; one submission).

Conditions:
Hermansky-Pudlak syndrome 2 (HPS2). Also called: Platelet defects and oculocutaneous albinism. Identifiers: Orphanet 183678, Orphanet 79430, MedGen C1842362, MONDO:0011997, OMIM 608233.

Submission:

Labcorp Genetics (formerly Invitae), Labcorp
Classification: Uncertain significance for Hermansky-Pudlak syndrome 2. Last evaluated: 2022-06-17. Review status: criteria provided, single submitter. Criteria: Invitae Variant Classification Sherloc (09022015). Collection method: clinical testing. Allele origin: germline.
Comment: In summary, the available evidence is currently insufficient to determine the role of this variant in disease. Therefore, it has been classified as a Variant of Uncertain Significance. Algorithms developed to predict the effect of missense changes on protein structure and function (SIFT, PolyPhen-2, Align-GVGD) all suggest that this variant is likely to be tolerated. This variant has not been reported in the literature in individuals affected with AP3B1-related conditions. This variant is not present in population databases (gnomAD no frequency). This sequence change replaces proline, which is neutral and non-polar, with leucine, which is neutral and non-polar, at codon 646 of the AP3B1 protein (p.Pro646Leu).